The following is an entry in ClinVar:

ClinVar aggregate classification (germline): Conflicting classifications of pathogenicity. Review status: criteria provided, conflicting classifications (1 of 4 stars). 2 submissions from 2 submitters: Uncertain significance (1); Likely benign (1). Last evaluated 2022-11-15.

Conditions:
Hereditary insensitivity to pain with anhidrosis (CIPA). Also called: HSAN Type IV; hereditary sensory and autonomic neuropathy type 4; INSENSITIVITY TO PAIN, CONGENITAL, WITH ANHIDROSIS; FAMILIAL DYSAUTONOMIA, TYPE II; NTRK1 Congenital Insensitivity to Pain with Anhidrosis; NEUROPATHY, CONGENITAL SENSORY, WITH ANHIDROSIS. Identifiers: Orphanet 642, MedGen C0020074, MONDO:0009746, OMIM 256800.

Allele frequency attached by ClinVar (database versions not stated): ExAC 0.00001; gnomAD exomes 0.00001.

Submissions (2):

Blueprint Genetics
Classification: Likely benign. Last evaluated: 2022-11-15. Review status: criteria provided, single submitter. Criteria: ACMG Guidelines, 2015. Collection method: clinical testing. Allele origin: germline.

Labcorp Genetics (formerly Invitae), Labcorp
Classification: Uncertain significance for Hereditary insensitivity to pain with anhidrosis. Last evaluated: 2022-01-05. Review status: criteria provided, single submitter. Criteria: Invitae Variant Classification Sherloc (09022015). Collection method: clinical testing. Allele origin: germline.
Comment: This sequence change replaces glycine, which is neutral and non-polar, with glutamic acid, which is acidic and polar, at codon 399 of the NTRK1 protein (p.Gly399Glu). This variant is present in population databases (rs762370968, gnomAD 0.01%). This variant has not been reported in the literature in individuals affected with NTRK1-related conditions. Advanced modeling of protein sequence and biophysical properties (such as structural, functional, and spatial information, amino acid conservation, physicochemical variation, residue mobility, and thermodynamic stability) performed at Invitae indicates that this missense variant is not expected to disrupt NTRK1 protein function. In summary, the available evidence is currently insufficient to determine the role of this variant in disease. Therefore, it has been classified as a Variant of Uncertain Significance.

NM_002529.4(NTRK1):c.1214G>A (p.Gly405Glu)

Gene: NTRK1 (neurotrophic receptor tyrosine kinase 1; plus strand). Cytogenetic location: 1q23.1.
Variant type: single nucleotide variant.
Coding change: c.1214G>A on transcript NM_002529.4 (MANE Select); coding-DNA position 1214, G replaced by A.
Protein change: p.Gly405Glu; replaces glycine 405 with glutamic acid.
Molecular consequence: missense variant.
Genome position (GRCh38, 1-based): chr1:156,874,589, G>A. VCF-style: chr1-156874589-G-A. GRCh37 (hg19) VCF-style: chr1-156844381-G-A.
Other names: c.1214G>A, p.Gly405Glu (NM_001007204.1); c.1106G>A, p.Gly369Glu (NM_001007792.1); c.1196G>A, p.Gly399Glu (NM_001012331.2); short protein forms G399E, G369E, G405E.
Identifiers: ClinVar variation 2163336 (VCV002163336.2), dbSNP rs762370968, ClinGen allele CA1169246.